The following is an entry in ClinVar:

ClinVar aggregate classification (germline): Benign/Likely benign. Review status: criteria provided, multiple submitters, no conflicts (2 of 4 stars). 3 submissions from 3 submitters: Benign (2); Likely benign (1). Last evaluated 2024-11-26.

Conditions:
Mitochondrial complex V (ATP synthase) deficiency, nuclear type 1. Also called: Nuclear-Encoded ATPase Deficiency, ATPAF2-Related; MITOCHONDRIAL COMPLEX V (ATP SYNTHASE) DEFICIENCY, ATPAF2 TYPE. Identifiers: Orphanet 254913, MedGen C3276276, MONDO:0011421, OMIM 604273.

Allele frequency attached by ClinVar (database versions not stated): 1000 Genomes Project 30x 0.00656; 1000 Genomes Project 0.00659; gnomAD exomes 0.00048 and 0.00121; ExAC 0.00149; gnomAD 0.00482 and 0.00519; TOPMed 0.00509; ESP Exome Variant Server 0.00515.
gnomAD v4.1: 1,469 of 1,612,838 alleles (0.091%); highest among the groups gnomAD compares: African/African-American, 1.7%; 13 homozygotes.

Submissions (3):

Blueprint Genetics
Classification: Likely benign. Last evaluated: 2024-11-26. Review status: criteria provided, single submitter. Criteria: ACMG Guidelines, 2015. Collection method: clinical testing. Allele origin: germline.

Illumina Laboratory Services, Illumina
Classification: Benign for Mitochondrial complex V (ATP synthase) deficiency, nuclear type 1. Last evaluated: 2018-01-13. Review status: criteria provided, single submitter. Criteria: ICSL Variant Classification Criteria 13 December 2019. Collection method: clinical testing. Allele origin: germline.
Comment: This variant was observed in the ICSL laboratory as part of a predisposition screen in an ostensibly healthy population. It had not been previously curated by ICSL or reported in the Human Gene Mutation Database (HGMD: prior to June 1st, 2018), and was therefore a candidate for classification through an automated scoring system. Utilizing variant allele frequency, disease prevalence and penetrance estimates, and inheritance mode, an automated score was calculated to assess if this variant is too frequent to cause the disease. Based on the score and internal cut-off values, a variant classified as benign is not then subjected to further curation. The score for this variant resulted in a classification of benign for this disease.

GeneDx
Classification: Benign. Last evaluated: 2015-01-07. Review status: criteria provided, single submitter. Criteria: GeneDx Variant Classification (06012015). Collection method: clinical testing. Allele origin: germline. Affected: yes.
Comment: This variant is considered likely benign or benign based on one or more of the following criteria: it is a conservative change, it occurs at a poorly conserved position in the protein, it is predicted to be benign by multiple in silico algorithms, and/or has population frequency not consistent with disease.

NM_145691.4(ATPAF2):c.*20C>G

Gene: ATPAF2 (ATP synthase mitochondrial F1 complex assembly factor 2; minus strand). Cytogenetic location: 17p11.2.
Variant type: single nucleotide variant.
Coding change: c.*20C>G on transcript NM_145691.4 (MANE Select); 20 bases downstream of the stop codon, C replaced by G.
Molecular consequence: 3 prime UTR variant.
Genome position (GRCh38, 1-based): chr17:18,018,529, G>C on the plus strand (C>G on the coding strand, the complement: ATPAF2 is on the minus strand). VCF-style: chr17-18018529-G-C. GRCh37 (hg19) VCF-style: chr17-17921843-G-C.
Identifiers: ClinVar variation 214134 (VCV000214134.7), dbSNP rs1128069, ClinGen allele CA325193.